The following is an entry in ClinVar:

ClinVar aggregate classification (germline): Uncertain significance (1 of 4 stars; one submission).

gnomAD v4.1: 38 of 1,599,242 alleles (0.0024%); highest among the groups gnomAD compares: Non-Finnish European, 0.0032%; no homozygotes.

Submission:

Labcorp Genetics (formerly Invitae), Labcorp
Classification: Uncertain significance. Last evaluated: 2024-04-22. Review status: criteria provided, single submitter. Criteria: Invitae Variant Classification Sherloc (09022015). Collection method: clinical testing. Allele origin: germline.
Comment: This sequence change replaces glycine, which is neutral and non-polar, with valine, which is neutral and non-polar, at codon 379 of the PITPNM3 protein (p.Gly379Val). The frequency data for this variant in the population databases is considered unreliable, as metrics indicate poor data quality at this position in the gnomAD database. This variant has not been reported in the literature in individuals affected with PITPNM3-related conditions. An algorithm developed to predict the effect of missense changes on protein structure and function (PolyPhen-2) suggests that this variant is likely to be tolerated. In summary, the available evidence is currently insufficient to determine the role of this variant in disease. Therefore, it has been classified as a Variant of Uncertain Significance.

NM_031220.4(PITPNM3):c.1136G>T (p.Gly379Val)

Gene: PITPNM3 (PITPNM family member 3; minus strand). Cytogenetic location: 17p13.2.
Variant type: single nucleotide variant.
Coding change: c.1136G>T on transcript NM_031220.4 (MANE Select); coding-DNA position 1136, G replaced by T.
Protein change: p.Gly379Val; replaces glycine 379 with valine.
Molecular consequence: missense variant.
Genome position (GRCh38, 1-based): chr17:6,474,554, C>A on the plus strand (G>T on the coding strand, the complement: PITPNM3 is on the minus strand). VCF-style: chr17-6474554-C-A. GRCh37 (hg19) VCF-style: chr17-6377874-C-A.
Other names: c.1028G>T, p.Gly343Val (NM_001165966.2); short protein forms G343V, G379V.
Identifiers: ClinVar variation 3610639 (VCV003610639.2).